The following is an entry in ClinVar:

ClinVar aggregate classification (germline): Uncertain significance. Review status: criteria provided, multiple submitters, no conflicts (2 of 4 stars). 3 submissions from 3 submitters: Uncertain significance (3). Last evaluated 2024-02-01.

Allele frequency attached by ClinVar (database versions not stated): gnomAD exomes 0.00001 and 0.00002; ExAC 0.00002; gnomAD 0.00003 and 0.00004; TOPMed 0.00003; ESP Exome Variant Server 0.00008.
gnomAD v4.1: 16 of 1,614,060 alleles (0.00099%); highest among the groups gnomAD compares: Middle Eastern, 0.016%; no homozygotes.

Submissions (3):

CeGaT Center for Human Genetics Tuebingen
Classification: Uncertain significance. Last evaluated: 2024-02-01. Review status: criteria provided, single submitter. Criteria: CeGaT Center For Human Genetics Tuebingen Variant Classification Criteria Version 2. Collection method: clinical testing. Allele origin: germline. Affected: yes. Observed: 1 variant allele.
Comment: MERTK: PM2, BP4

Labcorp Genetics (formerly Invitae), Labcorp
Classification: Uncertain significance. Last evaluated: 2022-08-23. Review status: criteria provided, single submitter. Criteria: Invitae Variant Classification Sherloc (09022015). Collection method: clinical testing. Allele origin: germline.
Comment: This sequence change replaces asparagine, which is neutral and polar, with serine, which is neutral and polar, at codon 228 of the MERTK protein (p.Asn228Ser). This variant is present in population databases (rs377346429, gnomAD 0.02%). This variant has not been reported in the literature in individuals affected with MERTK-related conditions. ClinVar contains an entry for this variant (Variation ID: 1504929). Algorithms developed to predict the effect of missense changes on protein structure and function output the following: SIFT: "Tolerated"; PolyPhen-2: "Benign"; Align-GVGD: "Class C0". The serine amino acid residue is found in multiple mammalian species, which suggests that this missense change does not adversely affect protein function. In summary, the available evidence is currently insufficient to determine the role of this variant in disease. Therefore, it has been classified as a Variant of Uncertain Significance.

Blueprint Genetics
Classification: Uncertain significance. Last evaluated: 2022-03-15. Review status: criteria provided, single submitter. Criteria: ACMG Guidelines, 2015. Collection method: clinical testing. Allele origin: germline.

NM_006343.3(MERTK):c.683A>G (p.Asn228Ser)

Gene: MERTK (MER proto-oncogene, tyrosine kinase; plus strand). Cytogenetic location: 2q13.
Variant type: single nucleotide variant.
Coding change: c.683A>G on transcript NM_006343.3 (MANE Select); coding-DNA position 683, A replaced by G.
Protein change: p.Asn228Ser; replaces asparagine 228 with serine.
Molecular consequence: missense variant.
Genome position (GRCh38, 1-based): chr2:111,947,493, A>G. VCF-style: chr2-111947493-A-G. GRCh37 (hg19) VCF-style: chr2-112705070-A-G.
Other names: short protein forms N228S.
Identifiers: ClinVar variation 1504929 (VCV001504929.28), dbSNP rs377346429, ClinGen allele CA1831125.